The following is an entry in ClinVar:

NM_012233.3(RAB3GAP1):c.800T>A (p.Leu267Ter)

Gene: RAB3GAP1 (RAB3 GTPase activating protein catalytic subunit 1; plus strand). Cytogenetic location: 2q21.3.
Variant type: single nucleotide variant.
Coding change: c.800T>A on transcript NM_012233.3 (MANE Select); coding-DNA position 800, T replaced by A.
Protein change: p.Leu267Ter; replaces leucine 267 with a stop codon.
Molecular consequence: nonsense.
Genome position (GRCh38, 1-based): chr2:135,124,216, T>A. VCF-style: chr2-135124216-T-A. GRCh37 (hg19) VCF-style: chr2-135881786-T-A.
Other names: c.800T>A, p.Leu267Ter (NM_001172435.2); short protein forms L267*.
Identifiers: ClinVar variation 5006072 (VCV005006072.2).
Genomic context (GRCh38, chr2:135,124,216, plus strand): 5'-TTTGTTTAGACATAGATGCCCTTGTAGGAGGAGAAGTTGGAGGCTTGGAGTTTGGCAAGT[T>A]ACCATTTGGTGCCTGCGAAGATCCTATTAGGTGAGAATTTCAACCTGTCATTTGAATTGT-3'

ClinVar aggregate classification (germline): Likely pathogenic (1 of 4 stars; one submission).

Conditions:
Warburg micro syndrome 1 (WARBM1). Identifiers: Orphanet 2510, MedGen C1838625, MONDO:0010822, OMIM 600118.
Martsolf syndrome 2. Identifiers: MedGen C5543626, MONDO:0030376, OMIM 619420.

Submission:

Juno Genomics, Hangzhou Juno Genomics, Inc
Classification: Likely pathogenic for Warburg micro syndrome 1; Martsolf syndrome 2. Review status: criteria provided, single submitter. Criteria: ACMG Guidelines, 2015. Collection method: clinical testing. Allele origin: germline.
Comment: Null variant in a gene where loss of function (LOF) is a known mechanism of disease.;Absent from controls (or at extremely low frequency if recessive) in Genome Aggregation Database.